The following is an entry in ClinVar:

ClinVar aggregate classification (germline): Uncertain significance. Review status: criteria provided, multiple submitters, no conflicts (2 of 4 stars). 3 submissions from 3 submitters: Uncertain significance (3). Last evaluated 2025-08-05.

Conditions:
REST-related disorder. Also called: REST-related condition.
Inborn genetic diseases. Identifiers: MedGen C0950123, MeSH D030342.

Allele frequency attached by ClinVar (database versions not stated): TOPMed 0.00009.
gnomAD v4.1: 39 of 1,614,050 alleles (0.0024%); highest among the groups gnomAD compares: Admixed American, 0.028%; no homozygotes.

Submissions (3):

PreventionGenetics, part of Exact Sciences
Classification: Uncertain significance for REST-related condition. Last evaluated: 2025-08-05. Review status: criteria provided, single submitter. Criteria: ACMG Guidelines, 2015. Collection method: clinical testing. Allele origin: germline.
Comment: The REST c.296T>C variant is predicted to result in the amino acid substitution p.Ile99Thr. To our knowledge, this variant has not been reported in the literature. This variant is reported in 0.051% of alleles in individuals of Latino descent in gnomAD. Although we suspect that this variant may be benign, at this time, the clinical significance of this variant is uncertain due to the absence of conclusive functional and genetic evidence.

Labcorp Genetics (formerly Invitae), Labcorp
Classification: Uncertain significance. Last evaluated: 2024-08-07. Review status: criteria provided, single submitter. Criteria: Invitae Variant Classification Sherloc (09022015). Collection method: clinical testing. Allele origin: germline.
Comment: This sequence change replaces isoleucine, which is neutral and non-polar, with threonine, which is neutral and polar, at codon 99 of the REST protein (p.Ile99Thr). This variant is present in population databases (rs141631518, gnomAD 0.05%), and has an allele count higher than expected for a pathogenic variant. This variant has not been reported in the literature in individuals affected with REST-related conditions. ClinVar contains an entry for this variant (Variation ID: 1039851). An algorithm developed to predict the effect of missense changes on protein structure and function (PolyPhen-2) suggests that this variant is likely to be tolerated. In summary, the available evidence is currently insufficient to determine the role of this variant in disease. Therefore, it has been classified as a Variant of Uncertain Significance.

Ambry Genetics
Classification: Uncertain significance for Inborn genetic diseases. Last evaluated: 2024-01-02. Review status: criteria provided, single submitter. Criteria: Ambry Variant Classification Scheme 2023. Collection method: clinical testing. Allele origin: germline.

NM_005612.5(REST):c.296T>C (p.Ile99Thr)

Gene: REST (RE1 silencing transcription factor; plus strand). Cytogenetic location: 4q12.
Variant type: single nucleotide variant.
Coding change: c.296T>C on transcript NM_005612.5 (MANE Select); coding-DNA position 296, T replaced by C.
Protein change: p.Ile99Thr; replaces isoleucine 99 with threonine.
Molecular consequence: missense variant.
Genome position (GRCh38, 1-based): chr4:56,910,934, T>C. VCF-style: chr4-56910934-T-C. GRCh37 (hg19) VCF-style: chr4-57777100-T-C.
Other names: c.296T>C, p.Ile99Thr (NM_001193508.2, NM_001363453.3); short protein forms I99T.
Identifiers: ClinVar variation 1039851 (VCV001039851.10), dbSNP rs141631518, ClinGen allele CA2932071.